The following is an entry in ClinVar:

NC_000007.13:g.(117175466_117176601)_(117176728_117180153)dup

Gene: CFTR (CF transmembrane conductance regulator; plus strand). Cytogenetic location: 7q31.2.
Variant type: Duplication.
Identifiers: ClinVar variation 2682491 (VCV002682491.1).

ClinVar aggregate classification (germline): Uncertain significance (1 of 4 stars; one submission).

Submission:

Women's Health and Genetics/Laboratory Corporation of America, LabCorp
Classification: Uncertain significance. Last evaluated: 2023-11-02. Review status: criteria provided, single submitter. Criteria: LabCorp Variant Classification Summary - May 2015. Collection method: clinical testing. Allele origin: germline.
Comment: Variant summary: The variant involves the duplication of exon 7 in the CFTR gene. A presumed nomenclature of c.(743+1_744-1)_(869+1_870-1)dup has been designated for the purposes of this classification. It is assumed to be a tandem duplication in direct orientation (Richardson_GIM_2018, Newman_AJHG_2015). This Copy Number Variant (CNV) is predicted to result in an in-frame duplication within this gene. The variant was absent in 21694 control chromosomes. The available data on variant occurrences in the general population are insufficient to allow any conclusion about variant significance. To our knowledge, no occurrence of c.(743+1_744-1)_(869+1_870-1)dup in individuals affected with Cystic Fibrosis and no experimental evidence demonstrating its impact on protein function have been reported. No submitters have cited clinical-significance assessments for this variant to ClinVar after 2014. Based on the evidence outlined above, the variant was classified as uncertain significance.